The following is an entry in ClinVar:

NM_000540.3(RYR1):c.821G>C (p.Arg274Pro)

Gene: RYR1 (ryanodine receptor 1; plus strand). Cytogenetic location: 19q13.2.
Variant type: single nucleotide variant.
Coding change: c.821G>C on transcript NM_000540.3 (MANE Select); coding-DNA position 821, G replaced by C.
Protein change: p.Arg274Pro; replaces arginine 274 with proline.
Molecular consequence: missense variant.
Genome position (GRCh38, 1-based): chr19:38,448,375, G>C. VCF-style: chr19-38448375-G-C. GRCh37 (hg19) VCF-style: chr19-38939015-G-C.
Other names: c.821G>C, p.Arg274Pro (NM_001042723.2); short protein forms R274P.
Identifiers: ClinVar variation 544424 (VCV000544424.19), dbSNP rs368711923, ClinGen allele CA071658.

ClinVar aggregate classification (germline): Uncertain significance. Review status: criteria provided, multiple submitters, no conflicts (2 of 4 stars). 8 submissions from 8 submitters: Uncertain significance (6). 2 of the submissions do not count toward it. Last evaluated 2026-03-16.

Conditions:
Congenital myopathy with fiber type disproportion. Also called: Congenital fiber-type disproportion; Congenital fiber-type disproportion myopathy. Identifiers: Orphanet 2020, MedGen C0546264, MONDO:0009711. Inheritance: all.
Congenital multicore myopathy with external ophthalmoplegia (CMYO1B). Also called: Congenital myopathy 1B, autosomal recessive; Minicore myopathy; MULTIMINICORE DISEASE WITH EXTERNAL OPHTHALMOPLEGIA; Minicore myopathy with external ophthalmoplegia; MULTICORE MYOPATHY. Identifiers: Orphanet 598, Orphanet 98905, MedGen C1850674, MONDO:0009712, OMIM 255320, HP:0003789.
Malignant hyperthermia, susceptibility to, 1 (MHS1). Also called: Anesthesia related hyperthermia; Malignant hyperpyrexia; Fulminating hyperpyrexia; Pharmacogenic myopathy; Malignant hyperthermia suceptibility 1; RYR1-Related Malignant Hyperthermia Susceptibility. Identifiers: Orphanet 423, MedGen C2930980, MONDO:0007783, OMIM 145600.
King Denborough syndrome (KDS). Identifiers: MedGen C1840365, MONDO:0020485, OMIM 619542.
Central core myopathy (CMYO1A). Also called: CONGENITAL MYOPATHY 1A, AUTOSOMAL DOMINANT, WITH SUSCEPTIBILITY TO MALIGNANT HYPERTHERMIA; Central core disease; Myopathy, central fibrillar. Identifiers: Orphanet 597, MedGen C5830701, MONDO:0007294, OMIM 117000.
RYR1-related disorder. Also called: RYR1-related condition; RYR1-related disorders. Identifiers: MedGen CN239331.

Allele frequency attached by ClinVar (database versions not stated): gnomAD 0.00003; TOPMed 0.00018; ESP Exome Variant Server 0.00023.
gnomAD v4.1: 38 of 1,610,012 alleles (0.0024%); highest among the groups gnomAD compares: African/African-American, 0.045%; no homozygotes.

Submissions (8):

PreventionGenetics, part of Exact Sciences
Classification: Uncertain significance for RYR1-related condition. Last evaluated: 2026-03-16. Review status: criteria provided, single submitter. Criteria: ACMG Guidelines, 2015. Collection method: clinical testing. Allele origin: germline.
Comment: The RYR1 c.821G>C variant is predicted to result in the amino acid substitution p.Arg274Pro. This variant was reported in an individual with RYR1-related disorder (Supplement, Kushnir et al. 2020. PubMed ID: 32236737). This variant is reported in 0.040% of alleles in individuals of African descent in gnomAD. At this time, the clinical significance of this variant is uncertain due to the absence of conclusive functional and genetic evidence.

Labcorp Genetics (formerly Invitae), Labcorp
Classification: Uncertain significance for RYR1-related disorder. Last evaluated: 2025-12-24. Review status: criteria provided, single submitter. Criteria: Invitae Variant Classification Sherloc (09022015). Collection method: clinical testing. Allele origin: germline.
Comment: This sequence change replaces arginine, which is basic and polar, with proline, which is neutral and non-polar, at codon 274 of the RYR1 protein (p.Arg274Pro). This variant is present in population databases (rs368711923, gnomAD 0.05%). This missense change has been observed in individual(s) with RYR1-related conditions (PMID: 32236737). ClinVar contains an entry for this variant (Variation ID: 544424). Invitae Evidence Modeling of protein sequence and biophysical properties (such as structural, functional, and spatial information, amino acid conservation, physicochemical variation, residue mobility, and thermodynamic stability) indicates that this missense variant is not expected to disrupt RYR1 protein function with a negative predictive value of 95%. In summary, the available evidence is currently insufficient to determine the role of this variant in disease. Therefore, it has been classified as a Variant of Uncertain Significance.

All of Us Research Program, National Institutes of Health
Classification: Uncertain significance for Malignant hyperthermia, susceptibility to, 1. Last evaluated: 2024-07-10. Review status: criteria provided, single submitter. Criteria: ACMG Guidelines, 2015. Collection method: clinical testing. Allele origin: germline. Inheritance: Autosomal dominant inheritance. Observed: 19 variant alleles, 19 heterozygotes.
Comment: This missense variant replaces arginine with proline at codon 274 of the RYR1 protein. Computational prediction is inconclusive regarding the impact of this variant on protein structure and function (internally defined REVEL score threshold 0.5 < inconclusive < 0.7, PMID: 27666373). To our knowledge, functional studies have not been reported for this variant. This variant has not been reported in individuals affected with RYR1-related disorders in the literature. This variant has been identified in 12/278392 chromosomes in the general population by the Genome Aggregation Database (gnomAD). The available evidence is insufficient to determine the role of this variant in disease conclusively. Therefore, this variant is classified as a Variant of Uncertain Significance.

This study involves interpretation of variants in research participants for the purpose of population health screening. Participant phenotype was not available at the time of variant classification. Additional details can be found in publication PMID: 35346344, PMCID: PMC8962531

Color Diagnostics, LLC DBA Color Health
Classification: Uncertain significance for Malignant hyperthermia, susceptibility to, 1. Last evaluated: 2024-06-17. Review status: criteria provided, single submitter. Criteria: ACMG Guidelines, 2015. Collection method: clinical testing. Allele origin: germline.
Comment: This missense variant replaces arginine with proline at codon 274 of the RYR1 protein. Computational prediction is inconclusive regarding the impact of this variant on protein structure and function. To our knowledge, functional studies have not been reported for this variant. This variant has not been reported in individuals affected with RYR1-related disorders in the literature. This variant has been identified in 12/278392 chromosomes in the general population by the Genome Aggregation Database (gnomAD). The available evidence is insufficient to determine the role of this variant in disease conclusively. Therefore, this variant is classified as a Variant of Uncertain Significance.

Fulgent Genetics
Classification: Uncertain significance for Central core myopathy; Malignant hyperthermia, susceptibility to, 1; Congenital myopathy 4A, autosomal dominant; Congenital multicore myopathy with external ophthalmoplegia; King Denborough syndrome. Last evaluated: 2021-08-09. Review status: criteria provided, single submitter. Criteria: ACMG Guidelines, 2015. Collection method: clinical testing. Allele origin: unknown.

Baylor Genetics
Classification: Uncertain significance for Central core myopathy. Last evaluated: 2018-09-07. Review status: criteria provided, single submitter. Criteria: ACMG Guidelines, 2015. Collection method: clinical testing. Allele origin: maternal. Affected: yes.
Comment: This variant was determined to be of uncertain significance according to ACMG Guidelines, 2015 [PMID:25741868].

Clinical Genetics DNA and cytogenetics Diagnostics Lab, Erasmus MC, Erasmus Medical Center
Classification: Uncertain significance. Review status: no assertion criteria provided. Collection method: clinical testing. Allele origin: germline. Affected: yes. Study: VKGL Data-share Consensus. Not counted in ClinVar's aggregate classification.

Genome Diagnostics Laboratory, Amsterdam University Medical Center
Classification: Uncertain significance. Review status: no assertion criteria provided. Collection method: clinical testing. Allele origin: germline. Affected: yes. Study: VKGL Data-share Consensus. Not counted in ClinVar's aggregate classification.

Literature cited by the submitters: PubMed 32236737 (cited by Labcorp Genetics (formerly Invitae), Labcorp).